The following is an entry in ClinVar:

ClinVar aggregate classification (germline): Uncertain significance (1 of 4 stars; one submission).

Conditions:
Epilepsy, idiopathic generalized, susceptibility to, 13. Also called: EPILEPSY, JUVENILE MYOCLONIC, SUSCEPTIBILITY TO, 5. Identifiers: Orphanet 307, Orphanet 64280, MedGen C4013473, MONDO:0012627, OMIM 611136.
Epilepsy, childhood absence 4 (ECA4). Also called: EPILEPSY, CHILDHOOD ABSENCE, SUSCEPTIBILITY TO, 4. Identifiers: Orphanet 307, MedGen C1970160.
Idiopathic generalized epilepsy. Also called: EIG; Generalised epilepsy. Identifiers: MedGen C0270850, MONDO:0005579, OMIM 600669.

Submission:

Labcorp Genetics (formerly Invitae), Labcorp
Classification: Uncertain significance for Epilepsy, childhood absence 4; Epilepsy, idiopathic generalized, susceptibility to, 13; Idiopathic generalized epilepsy. Last evaluated: 2024-03-03. Review status: criteria provided, single submitter. Criteria: Invitae Variant Classification Sherloc (09022015). Collection method: clinical testing. Allele origin: germline.
Comment: This sequence change replaces histidine, which is basic and polar, with aspartic acid, which is acidic and polar, at codon 83 of the GABRA1 protein (p.His83Asp). This variant is not present in population databases (gnomAD no frequency). This variant has not been reported in the literature in individuals affected with GABRA1-related conditions. Advanced modeling of protein sequence and biophysical properties (such as structural, functional, and spatial information, amino acid conservation, physicochemical variation, residue mobility, and thermodynamic stability) performed at Invitae indicates that this missense variant is not expected to disrupt GABRA1 protein function with a negative predictive value of 95%. In summary, the available evidence is currently insufficient to determine the role of this variant in disease. Therefore, it has been classified as a Variant of Uncertain Significance.

NM_001127644.2(GABRA1):c.247C>G (p.His83Asp)

Gene: GABRA1 (gamma-aminobutyric acid type A receptor subunit alpha1; plus strand). Cytogenetic location: 5q34.
Variant type: single nucleotide variant.
Coding change: c.247C>G on transcript NM_001127644.2 (MANE Select); coding-DNA position 247, C replaced by G.
Protein change: p.His83Asp; replaces histidine 83 with aspartic acid.
Molecular consequence: missense variant.
Genome position (GRCh38, 1-based): chr5:161,865,780, C>G. VCF-style: chr5-161865780-C-G. GRCh37 (hg19) VCF-style: chr5-161292786-C-G.
Other names: c.247C>G, p.His83Asp (NM_000806.5, NM_001127643.2, NM_001127645.2 and 1 more transcripts); short protein forms H83D.
Identifiers: ClinVar variation 3753867 (VCV003753867.2).